The following is an entry in ClinVar:

ClinVar aggregate classification (germline): Uncertain significance (1 of 4 stars; one submission).

Conditions:
Hereditary cancer-predisposing syndrome. Also called: Neoplastic Syndromes, Hereditary; Tumor predisposition; Hereditary neoplastic syndrome; Hereditary Cancer Syndrome. Identifiers: Orphanet 140162, MedGen C0027672, MeSH D009386, MONDO:0015356.

Submission:

Labcorp Genetics (formerly Invitae), Labcorp
Classification: Uncertain significance for Hereditary cancer-predisposing syndrome. Last evaluated: 2023-07-28. Review status: criteria provided, single submitter. Criteria: Invitae Variant Classification Sherloc (09022015). Collection method: clinical testing. Allele origin: germline.
Comment: In summary, the available evidence is currently insufficient to determine the role of this variant in disease. Therefore, it has been classified as a Variant of Uncertain Significance. Algorithms developed to predict the effect of missense changes on protein structure and function output the following: SIFT: "Not Available"; PolyPhen-2: "Benign"; Align-GVGD: "Not Available". The serine amino acid residue is found in multiple mammalian species, which suggests that this missense change does not adversely affect protein function. This variant has not been reported in the literature in individuals affected with RAD50-related conditions. This variant is not present in population databases (gnomAD no frequency). This sequence change replaces asparagine, which is neutral and polar, with serine, which is neutral and polar, at codon 253 of the RAD50 protein (p.Asn253Ser).

NM_005732.4(RAD50):c.758A>G (p.Asn253Ser)

Gene: RAD50 (RAD50 double strand break repair protein; plus strand). Cytogenetic location: 5q31.1.
Variant type: single nucleotide variant.
Coding change: c.758A>G on transcript NM_005732.4 (MANE Select); coding-DNA position 758, A replaced by G.
Protein change: p.Asn253Ser; replaces asparagine 253 with serine.
Molecular consequence: missense variant.
Genome position (GRCh38, 1-based): chr5:132,587,563, A>G. VCF-style: chr5-132587563-A-G. GRCh37 (hg19) VCF-style: chr5-131923255-A-G.
Other names: short protein forms N253S.
Identifiers: ClinVar variation 2695813 (VCV002695813.3), dbSNP rs2479631524, ClinGen allele CA360939983.